The following is an entry in ClinVar:

NM_006766.5(KAT6A):c.2412C>A (p.Cys804Ter)

Gene: KAT6A (lysine acetyltransferase 6A; minus strand). Cytogenetic location: 8p11.21.
Variant type: single nucleotide variant.
Coding change: c.2412C>A on transcript NM_006766.5 (MANE Select); coding-DNA position 2412, C replaced by A.
Protein change: p.Cys804Ter; replaces cysteine 804 with a stop codon.
Molecular consequence: nonsense.
Genome position (GRCh38, 1-based): chr8:41,942,817, G>T on the plus strand (C>A on the coding strand, the complement: KAT6A is on the minus strand). VCF-style: chr8-41942817-G-T. GRCh37 (hg19) VCF-style: chr8-41800335-G-T.
Other names: c.2412C>A, p.Cys804Ter (NM_001305878.2); short protein forms C804*.
Identifiers: ClinVar variation 4532099 (VCV004532099.1).

ClinVar aggregate classification (germline): Pathogenic (1 of 4 stars; one submission).

Conditions:
Autosomal dominant intellectual disability-craniofacial anomalies-cardiac defects syndrome (ARTHS). Also called: KAT6A syndrome; Mental retardation, autosomal dominant 32; Arboleda-Tham syndrome. Identifiers: Orphanet 457193, MedGen C4225396, MONDO:0014558, OMIM 616268.

Submission:

Victorian Clinical Genetics Services, Murdoch Childrens Research Institute
Classification: Pathogenic for Autosomal dominant intellectual disability-craniofacial anomalies-cardiac defects syndrome. Last evaluated: 2025-09-07. Review status: criteria provided, single submitter. Criteria: ACMG Guidelines, 2015. Collection method: clinical testing. Allele origin: germline. Affected: yes.
Comment: This variant is classified as Pathogenic. Evidence in support of pathogenic classification: Variant is predicted to cause nonsense-mediated decay (NMD) and loss of protein (premature termination codon is located at least 54 nucleotides upstream of the final exon-exon junction); Variant is absent from gnomAD (v2, v3 and v4); Other NMD-predicted variant(s) comparable to the one identified in this case have very strong previous evidence for pathogenicity (DECIPHER); Additional information: This variant is heterozygous; This gene is associated with autosomal dominant disease; This variant has no previous evidence of pathogenicity; No published evidence of segregation with disease has been identified for this variant; No published functional evidence has been identified for this variant; Loss of function is a known mechanism of disease in this gene and is associated with Arboleda-Tham syndrome (MIM#616268).